The following is an entry in ClinVar:

NM_005505.5(SCARB1):c.1244G>A (p.Trp415Ter)

Gene: SCARB1 (scavenger receptor class B member 1; minus strand). Cytogenetic location: 12q24.31.
Variant type: single nucleotide variant.
Coding change: c.1244G>A on transcript NM_005505.5 (MANE Select); coding-DNA position 1244, G replaced by A.
Protein change: p.Trp415Ter; replaces tryptophan 415 with a stop codon.
Molecular consequence: nonsense. On other transcripts: non-coding transcript variant (9).
Genome position (GRCh38, 1-based): chr12:124,787,416, C>T on the plus strand (G>A on the coding strand, the complement: SCARB1 is on the minus strand). VCF-style: chr12-124787416-C-T. GRCh37 (hg19) VCF-style: chr12-125271962-C-T.
Other names: c.1244G>A, p.Trp415Ter (NM_001367989.1, NM_001082959.2, NM_001367981.1 and 3 more transcripts); c.1121G>A, p.Trp374Ter (NM_001367982.1); c.1220G>A, p.Trp407Ter (NM_001367985.1); c.1046G>A, p.Trp349Ter (NM_001367987.1); c.842G>A, p.Trp281Ter (NM_001367988.1); short protein forms W281*, W349*, W374*, W415*, W407*.
Identifiers: ClinVar variation 2969653 (VCV002969653.3), dbSNP rs757231326, ClinGen allele CA6870282.

ClinVar aggregate classification (germline): Uncertain significance (1 of 4 stars; one submission).

Allele frequency attached by ClinVar (database versions not stated): ExAC 0.00001; gnomAD 0.00001.
gnomAD v4.1: 1 of 1,613,732 alleles (0.000062%); highest among the groups gnomAD compares: Non-Finnish European, 0.000085%; no homozygotes.

Submission:

Labcorp Genetics (formerly Invitae), Labcorp
Classification: Uncertain significance. Last evaluated: 2024-01-03. Review status: criteria provided, single submitter. Criteria: Invitae Variant Classification Sherloc (09022015). Collection method: clinical testing. Allele origin: germline.
Comment: This sequence change creates a premature translational stop signal (p.Trp415*) in the SCARB1 gene. It is expected to result in an absent or disrupted protein product. However, the current clinical and genetic evidence is not sufficient to establish whether loss-of-function variants in SCARB1 cause disease. The frequency data for this variant in the population databases is considered unreliable, as metrics indicate poor data quality at this position in the gnomAD database. This variant has not been reported in the literature in individuals affected with SCARB1-related conditions. Experimental studies and prediction algorithms are not available or were not evaluated, and the functional significance of this variant is currently unknown. In summary, the available evidence is currently insufficient to determine the role of this variant in disease. Therefore, it has been classified as a Variant of Uncertain Significance.